The following is an entry in ClinVar:

NM_018180.3(DHX32):c.1171A>T (p.Ile391Phe)

Genes: BCCIP (BRCA2 and CDKN1A interacting protein; plus strand), DHX32 (DEAH-box helicase 32 (putative); minus strand). Cytogenetic location: 10q26.2.
Variant type: single nucleotide variant.
Coding change: c.1171A>T on transcript NM_018180.3 (MANE Select); coding-DNA position 1171, A replaced by T.
Protein change: p.Ile391Phe; replaces isoleucine 391 with phenylalanine.
Molecular consequence: missense variant. On other transcripts: intron variant (1).
Genome position (GRCh38, 1-based): chr10:125,852,564, T>A on the plus strand (A>T on the coding strand, the complement: DHX32 is on the minus strand). VCF-style: chr10-125852564-T-A. GRCh37 (hg19) VCF-style: chr10-127541133-T-A.
Other names: c.851-561T>A (NM_016567.4); short protein forms I391F.
Identifiers: ClinVar variation 2419043 (VCV002419043.4), dbSNP rs375726805, ClinGen allele CA5739259.

ClinVar aggregate classification (germline): Uncertain significance (1 of 4 stars; one submission).

Allele frequency attached by ClinVar (database versions not stated): gnomAD 0.00002; ESP Exome Variant Server 0.00008; ExAC 0.00002; gnomAD exomes 0.00001; TOPMed 0.00002.
gnomAD v4.1: 10 of 1,613,596 alleles (0.00062%); highest among the groups gnomAD compares: Non-Finnish European, 0.00085%; no homozygotes.

Submission:

Labcorp Genetics (formerly Invitae), Labcorp
Classification: Uncertain significance. Last evaluated: 2025-04-28. Review status: criteria provided, single submitter. Criteria: Invitae Variant Classification Sherloc (09022015). Collection method: clinical testing. Allele origin: germline.
Comment: This sequence change replaces isoleucine, which is neutral and non-polar, with phenylalanine, which is neutral and non-polar, at codon 391 of the DHX32 protein (p.Ile391Phe). This variant is present in population databases (rs375726805, gnomAD 0.002%). This variant has not been reported in the literature in individuals affected with DHX32-related conditions. ClinVar contains an entry for this variant (Variation ID: 2419043). An algorithm developed to predict the effect of missense changes on protein structure and function (PolyPhen-2) suggests that this variant is likely to be tolerated. In summary, the available evidence is currently insufficient to determine the role of this variant in disease. Therefore, it has been classified as a Variant of Uncertain Significance.